The following is an entry in ClinVar:

ClinVar aggregate classification (germline): Uncertain significance (1 of 4 stars; one submission).

gnomAD v4.1: 8 of 1,613,320 alleles (0.0005%); highest among the groups gnomAD compares: South Asian, 0.0022%; no homozygotes.

Submission:

Labcorp Genetics (formerly Invitae), Labcorp
Classification: Uncertain significance. Last evaluated: 2025-04-10. Review status: criteria provided, single submitter. Criteria: Invitae Variant Classification Sherloc (09022015). Collection method: clinical testing. Allele origin: germline.
Comment: This sequence change replaces aspartic acid, which is acidic and polar, with asparagine, which is neutral and polar, at codon 483 of the INSR protein (p.Asp483Asn). This variant is present in population databases (rs757634971, gnomAD 0.002%). This variant has not been reported in the literature in individuals affected with INSR-related conditions. Invitae Evidence Modeling of protein sequence and biophysical properties (such as structural, functional, and spatial information, amino acid conservation, physicochemical variation, residue mobility, and thermodynamic stability) indicates that this missense variant is not expected to disrupt INSR protein function with a negative predictive value of 95%. In summary, the available evidence is currently insufficient to determine the role of this variant in disease. Therefore, it has been classified as a Variant of Uncertain Significance.

NM_000208.4(INSR):c.1447G>A (p.Asp483Asn)

Gene: INSR (insulin receptor; minus strand). Cytogenetic location: 19p13.2.
Variant type: single nucleotide variant.
Coding change: c.1447G>A on transcript NM_000208.4 (MANE Select); coding-DNA position 1447, G replaced by A.
Protein change: p.Asp483Asn; replaces aspartic acid 483 with asparagine.
Molecular consequence: missense variant.
Genome position (GRCh38, 1-based): chr19:7,170,573, C>T on the plus strand (G>A on the coding strand, the complement: INSR is on the minus strand). VCF-style: chr19-7170573-C-T. GRCh37 (hg19) VCF-style: chr19-7170584-C-T.
Other names: c.1447G>A, p.Asp483Asn (NM_001079817.3); short protein forms D483N.
Identifiers: ClinVar variation 4704170 (VCV004704170.1).